The following is an entry in ClinVar:

ClinVar aggregate classification (germline): Uncertain significance (1 of 4 stars; one submission).

Conditions:
Hereditary insensitivity to pain with anhidrosis (CIPA). Also called: NTRK1 Congenital Insensitivity to Pain with Anhidrosis; FAMILIAL DYSAUTONOMIA, TYPE II; NEUROPATHY, CONGENITAL SENSORY, WITH ANHIDROSIS; HSAN Type IV; INSENSITIVITY TO PAIN, CONGENITAL, WITH ANHIDROSIS; hereditary sensory and autonomic neuropathy type 4. Identifiers: Orphanet 642, MedGen C0020074, MONDO:0009746, OMIM 256800.

Submission:

Labcorp Genetics (formerly Invitae), Labcorp
Classification: Uncertain significance for Hereditary insensitivity to pain with anhidrosis. Last evaluated: 2023-08-17. Review status: criteria provided, single submitter. Criteria: Invitae Variant Classification Sherloc (09022015). Collection method: clinical testing. Allele origin: germline.
Comment: This sequence change replaces proline, which is neutral and non-polar, with alanine, which is neutral and non-polar, at codon 615 of the NTRK1 protein (p.Pro615Ala). This variant is not present in population databases (gnomAD no frequency). This variant has not been reported in the literature in individuals affected with NTRK1-related conditions. ClinVar contains an entry for this variant (Variation ID: 1525749). Advanced modeling of protein sequence and biophysical properties (such as structural, functional, and spatial information, amino acid conservation, physicochemical variation, residue mobility, and thermodynamic stability) performed at Invitae indicates that this missense variant is not expected to disrupt NTRK1 protein function. In summary, the available evidence is currently insufficient to determine the role of this variant in disease. Therefore, it has been classified as a Variant of Uncertain Significance.

NM_002529.4(NTRK1):c.1861C>G (p.Pro621Ala)

Gene: NTRK1 (neurotrophic receptor tyrosine kinase 1; plus strand). Cytogenetic location: 1q23.1.
Variant type: single nucleotide variant.
Coding change: c.1861C>G on transcript NM_002529.4 (MANE Select); coding-DNA position 1861, C replaced by G.
Protein change: p.Pro621Ala; replaces proline 621 with alanine.
Molecular consequence: missense variant.
Genome position (GRCh38, 1-based): chr1:156,879,177, C>G. VCF-style: chr1-156879177-C-G. GRCh37 (hg19) VCF-style: chr1-156848969-C-G.
Other names: c.1753C>G, p.Pro585Ala (NM_001007792.1); c.1843C>G, p.Pro615Ala (NM_001012331.2); short protein forms P585A, P615A, P621A.
Identifiers: ClinVar variation 1525749 (VCV001525749.8), dbSNP rs2102924330, ClinGen allele CA342939550.